The following is an entry in ClinVar:

NM_025103.4(IFT74):c.1063A>G (p.Asn355Asp)

Gene: IFT74 (intraflagellar transport 74; plus strand). Cytogenetic location: 9p21.2.
Variant type: single nucleotide variant.
Coding change: c.1063A>G on transcript NM_025103.4 (MANE Select); coding-DNA position 1063, A replaced by G.
Protein change: p.Asn355Asp; replaces asparagine 355 with aspartic acid.
Molecular consequence: missense variant.
Genome position (GRCh38, 1-based): chr9:27,044,750, A>G. VCF-style: chr9-27044750-A-G. GRCh37 (hg19) VCF-style: chr9-27044748-A-G.
Other names: c.1063A>G, p.Asn355Asp (NM_001099222.3, NM_001099223.3, NM_001349928.2); short protein forms N355D.
Identifiers: ClinVar variation 4988540 (VCV004988540.1).

ClinVar aggregate classification (germline): Uncertain significance (1 of 4 stars; one submission).

Conditions:
IFT74-related disorder. Also called: IFT74-Related Disorders; IFT74-related condition.

Submission:

PreventionGenetics, part of Exact Sciences
Classification: Uncertain significance for IFT74-related condition. Last evaluated: 2025-05-22. Review status: criteria provided, single submitter. Criteria: ACMG Guidelines, 2015. Collection method: clinical testing. Allele origin: germline.
Comment: The IFT74 c.1063A>G variant is predicted to result in the amino acid substitution p.Asn355Asp. To our knowledge, this variant has not been reported in the literature or in a large population database (gnomAD), indicating this variant is rare. At this time, the clinical significance of this variant is uncertain due to the absence of conclusive functional and genetic evidence.